The following is an entry in ClinVar:

ClinVar aggregate classification (germline): Likely pathogenic (1 of 4 stars; one submission).

Conditions:
Gaucher disease. Also called: Acute cerebral Gaucher disease; Cerebroside lipidosis syndrome; Gaucher splenomegaly; Sphingolipidosis 1; Glucocerebrosidosis; Glucosylceramidase deficiency. Identifiers: Orphanet 355, MedGen C0017205, MONDO:0018150.

Submission:

Women's Health and Genetics/Laboratory Corporation of America, LabCorp
Classification: Likely pathogenic for Gaucher disease. Last evaluated: 2026-04-24. Review status: criteria provided, single submitter. Criteria: LabCorp Variant Classification Summary - May 2015. Collection method: clinical testing. Allele origin: germline.
Comment: Variant summary: GBA1 c.599T>G (p.Ile200Ser) results in a non-conservative amino acid change in the encoded protein sequence. Algorithms developed to predict the effect of missense changes on protein structure and function all suggest that this variant is likely to be disruptive. The variant was absent in 189032 control chromosomes. c.599T>G has been observed in an individual affected with Gaucher Disease (e.g. Cormand_1998). To our knowledge, no experimental evidence demonstrating an impact on protein function has been reported. However multiple variants located at the same codon (c.599T>A, p.Ile200Asn; c.599T>C, p.Ile200Thr) have been classified as likely pathogenic by our lab, supporting a critical relevance of this residue to GBA1 protein function. The following publications have been ascertained in the context of this evaluation (PMID: 9516376, 9856561, 18338393). No submitters have cited clinical significance assessments for this variant in ClinVar. Based on the evidence outlined above, the variant was classified as likely pathogenic.

Literature cited by the submitters: PubMed 18338393; PubMed 9516376; PubMed 9856561.

NM_000157.4(GBA1):c.599T>G (p.Ile200Ser)

Genes: GBA1 (glucosylceramidase beta 1; minus strand), LOC106627981 (GBA recombination region; plus strand). Cytogenetic location: 1q22.
Variant type: single nucleotide variant.
Coding change: c.599T>G on transcript NM_000157.4 (MANE Select); coding-DNA position 599, T replaced by G.
Protein change: p.Ile200Ser; replaces isoleucine 200 with serine.
Molecular consequence: missense variant.
Genome position (GRCh38, 1-based): chr1:155,238,296, A>C on the plus strand (T>G on the coding strand, the complement: GBA1 is on the minus strand). VCF-style: chr1-155238296-A-C. GRCh37 (hg19) VCF-style: chr1-155208087-A-C.
Other names: c.599T>G, p.Ile200Ser (NM_001005741.3, NM_001005742.3); c.338T>G, p.Ile113Ser (NM_001171811.2); c.452T>G, p.Ile151Ser (NM_001171812.2); short protein forms I113S, I151S, I200S.
Identifiers: ClinVar variation 4849107 (VCV004849107.1).